The following is an entry in ClinVar:

NM_201384.3(PLEC):c.1361A>G (p.Asn454Ser)

Gene: PLEC (plectin; minus strand). Cytogenetic location: 8q24.3.
Variant type: single nucleotide variant.
Coding change: c.1361A>G on transcript NM_201384.3 (MANE Select); coding-DNA position 1361, A replaced by G.
Protein change: p.Asn454Ser; replaces asparagine 454 with serine.
Molecular consequence: missense variant.
Genome position (GRCh38, 1-based): chr8:143,933,254, T>C on the plus strand (A>G on the coding strand, the complement: PLEC is on the minus strand). VCF-style: chr8-143933254-T-C. GRCh37 (hg19) VCF-style: chr8-145007422-T-C.
Other names: c.1442A>G, p.Asn481Ser (NM_000445.5); c.1319A>G, p.Asn440Ser (NM_201378.4); c.1295A>G, p.Asn432Ser (NM_201379.3); c.1772A>G, p.Asn591Ser (NM_201380.4); c.1265A>G, p.Asn422Ser (NM_201381.3); c.1361A>G, p.Asn454Ser (NM_201382.4); c.1373A>G, p.Asn458Ser (NM_201383.3); short protein forms N422S, N432S, N440S, N454S, N458S, N481S, N591S.
Identifiers: ClinVar variation 450282 (VCV000450282.7), dbSNP rs781981346, ClinGen allele CA4928007.

ClinVar aggregate classification (germline): Uncertain significance. Review status: criteria provided, multiple submitters, no conflicts (2 of 4 stars). 3 submissions from 3 submitters: Uncertain significance (3). Last evaluated 2025-06-10.

Conditions:
Epidermolysis bullosa simplex 5B, with muscular dystrophy (EBS5B). Also called: EPIDERMOLYSIS BULLOSA SIMPLEX AND LIMB-GIRDLE MUSCULAR DYSTROPHY; Epidermolysis bullosa simplex with muscular dystrophy. Identifiers: Orphanet 257, MedGen C2931072, MONDO:0009181, OMIM 226670.
Epidermolysis bullosa simplex, Ogna type (EBS5A). Also called: EPIDERMOLYSIS BULLOSA SIMPLEX 5A, OGNA TYPE; Pidermolysis bullosa simplex 5A, Ogna type. Identifiers: Orphanet 79401, MedGen C0432317, MONDO:0007555, OMIM 131950.
Epidermolysis bullosa simplex 5C, with pyloric atresia (EBS5C). Also called: PLEC1-Related Epidermolysis Bullosa with Pyloric Atresia; PLEC-Related Epidermolysis Bullosa with Pyloric Atresia; Epidermolysis bullosa simplex with pyloric atresia. Identifiers: Orphanet 158684, MedGen C2677349, MONDO:0012807, OMIM 612138.
Epidermolysis bullosa simplex with nail dystrophy (EBS5D). Identifiers: MedGen C4225309, MONDO:0014661, OMIM 616487.
Autosomal recessive limb-girdle muscular dystrophy type 2Q (LGMDR17). Also called: MUSCULAR DYSTROPHY, LIMB-GIRDLE, AUTOSOMAL RECESSIVE 17. Identifiers: Orphanet 254361, MedGen C3150989, MONDO:0013390, OMIM 613723.
Inborn genetic diseases. Identifiers: MedGen C0950123, MeSH D030342.

Allele frequency attached by ClinVar (database versions not stated): TOPMed below 0.00001; gnomAD 0.00001; gnomAD exomes 0.00004 and 0.00007; ExAC 0.00008.
gnomAD v4.1: 53 of 1,613,024 alleles (0.0033%); highest among the groups gnomAD compares: South Asian, 0.055%; 3 homozygotes.

Submissions (3):

Labcorp Genetics (formerly Invitae), Labcorp
Classification: Uncertain significance for Autosomal recessive limb-girdle muscular dystrophy type 2Q; Epidermolysis bullosa simplex, Ogna type; Epidermolysis bullosa simplex with nail dystrophy; Epidermolysis bullosa simplex 5C, with pyloric atresia; Epidermolysis bullosa simplex 5B, with muscular dystrophy. Last evaluated: 2025-06-10. Review status: criteria provided, single submitter. Criteria: Invitae Variant Classification Sherloc (09022015). Collection method: clinical testing. Allele origin: germline.
Comment: This sequence change replaces asparagine, which is neutral and polar, with serine, which is neutral and polar, at codon 481 of the PLEC protein (p.Asn481Ser). This variant is present in population databases (rs781981346, gnomAD 0.06%). This variant has not been reported in the literature in individuals affected with PLEC-related conditions. ClinVar contains an entry for this variant (Variation ID: 450282). Experimental studies and prediction algorithms are not available or were not evaluated, and the functional significance of this variant is currently unknown. In summary, the available evidence is currently insufficient to determine the role of this variant in disease. Therefore, it has been classified as a Variant of Uncertain Significance.

Ambry Genetics
Classification: Uncertain significance for Inborn genetic diseases. Last evaluated: 2023-10-13. Review status: criteria provided, single submitter. Criteria: Ambry Variant Classification Scheme 2023. Collection method: clinical testing. Allele origin: germline.

GeneDx
Classification: Uncertain significance. Last evaluated: 2017-07-07. Review status: criteria provided, single submitter. Criteria: GeneDx Variant Classification (06012015). Collection method: clinical testing. Allele origin: germline. Affected: yes.
Comment: A variant of uncertain significance has been identified in the PLEC gene. The N481S variant has not been published as a pathogenic variant, nor has it been reported as a benign variant to our knowledge. The N481S variant is observed in 8/16440 (0.05%) alleles from individuals of South Asian background (Lek et al., 2016; 1000 Genomes Consortium et al., 2015; Exome Variant Server). The N481S variant is a conservative amino acid substitution, which is not likely to impact secondary protein structure as these residues share similar properties. However, this substitution occurs at a position that is conserved across species. In silico analysis is inconsistent in its predictions as to whether or not the variant is damaging to the protein structure/function. Therefore, based on the currently available information, it is unclear whether this variant is a pathogenic variant or a rare benign variant.